The following is an entry in ClinVar:

ClinVar aggregate classification (germline): Uncertain significance (1 of 4 stars; one submission).

Allele frequency attached by ClinVar (database versions not stated): TOPMed below 0.00001; gnomAD exomes 0.00001.
gnomAD v4.1: 14 of 1,592,842 alleles (0.00088%); highest among the groups gnomAD compares: Admixed American, 0.0018%; no homozygotes.

Submission:

Labcorp Genetics (formerly Invitae), Labcorp
Classification: Uncertain significance. Last evaluated: 2024-01-26. Review status: criteria provided, single submitter. Criteria: Invitae Variant Classification Sherloc (09022015). Collection method: clinical testing. Allele origin: germline.
Comment: This sequence change replaces alanine, which is neutral and non-polar, with valine, which is neutral and non-polar, at codon 251 of the TNFRSF6B protein (p.Ala251Val). The frequency data for this variant in the population databases is considered unreliable, as metrics indicate poor data quality at this position in the gnomAD database. This variant has not been reported in the literature in individuals affected with TNFRSF6B-related conditions. Algorithms developed to predict the effect of missense changes on protein structure and function output the following: SIFT: "Not Available"; PolyPhen-2: "Benign"; Align-GVGD: "Not Available". The valine amino acid residue is found in multiple mammalian species, which suggests that this missense change does not adversely affect protein function. In summary, the available evidence is currently insufficient to determine the role of this variant in disease. Therefore, it has been classified as a Variant of Uncertain Significance.

NM_003823.4(TNFRSF6B):c.752C>T (p.Ala251Val)

Genes: RTEL1-TNFRSF6B (RTEL1-TNFRSF6B readthrough (NMD candidate); plus strand), TNFRSF6B (TNF receptor superfamily member 6b; plus strand). Cytogenetic location: 20q13.33.
Variant type: single nucleotide variant.
Coding change: c.752C>T on transcript NM_003823.4 (MANE Select); coding-DNA position 752, C replaced by T.
Protein change: p.Ala251Val; replaces alanine 251 with valine.
Molecular consequence: missense variant. On other transcripts: non-coding transcript variant (1).
Genome position (GRCh38, 1-based): chr20:63,698,412, C>T. VCF-style: chr20-63698412-C-T. GRCh37 (hg19) VCF-style: chr20-62329765-C-T.
Other names: short protein forms A251V.
Identifiers: ClinVar variation 2988169 (VCV002988169.3), dbSNP rs937966789, ClinGen allele CA409712091.
Genomic context (GRCh38, chr20:63,698,412, plus strand): 5'-GGCTGCTGCAGGCCCTCGAGGCCCCGGAGGGCTGGGGTCCGACACCAAGGGCGGGCCGCG[C>T]GGCCTTGCAGCTGAAGCTGCGTCGGCGGCTCACGGAGCTCCTGGGGGCGCAGGACGGGGC-3'
Protein context (NP_003814.1, residues 241-261): GWGPTPRAGR[Ala251Val]ALQLKLRRRL